The following is an entry in ClinVar:

ClinVar aggregate classification (germline): Benign. Review status: criteria provided, multiple submitters, no conflicts (2 of 4 stars). 8 submissions from 8 submitters: Benign (7). 1 of the submissions does not count toward it. Last evaluated 2026-02-04.

Conditions:
Vanishing white matter disease. Also called: CACH syndrome; Childhood ataxia with diffuse central nervous system hypomyelination; Leukoencephalopathy with vanishing white matter; CACH/VWM syndrome; Cree leukoencehalopathy. Identifiers: Orphanet 135, Orphanet 99853, MedGen C1858991, MONDO:0800448.

Allele frequency attached by ClinVar (database versions not stated): gnomAD exomes 0.24780 and 0.26426; ExAC 0.25876; ESP Exome Variant Server 0.28410; gnomAD 0.28819 and 0.29252; 1000 Genomes Project 0.29653; TOPMed 0.30281; 1000 Genomes Project 30x 0.30309.
gnomAD v4.1: 406,643 of 1,613,288 alleles (25%); highest among the groups gnomAD compares: African/African-American, 39%; 53,430 homozygotes.

Submissions (8):

Labcorp Genetics (formerly Invitae), Labcorp
Classification: Benign. Last evaluated: 2026-02-04. Review status: criteria provided, single submitter. Criteria: Invitae Variant Classification Sherloc (09022015). Collection method: clinical testing. Allele origin: germline.

Mayo Clinic Laboratories, Mayo Clinic
Classification: Benign. Last evaluated: 2022-03-24. Review status: criteria provided, single submitter. Criteria: ACMG Guidelines, 2015. Collection method: clinical testing. Allele origin: germline. Observed: 222 variant alleles.

Illumina Laboratory Services, Illumina
Classification: Benign for Leukoencephalopathy with vanishing white matter 1. Last evaluated: 2018-01-13. Review status: criteria provided, single submitter. Criteria: ICSL Variant Classification Criteria 13 December 2019. Collection method: clinical testing. Allele origin: germline.
Comment: This variant was observed in the ICSL laboratory as part of a predisposition screen in an ostensibly healthy population. It had not been previously curated by ICSL or reported in the Human Gene Mutation Database (HGMD: prior to June 1st, 2018), and was therefore a candidate for classification through an automated scoring system. Utilizing variant allele frequency, disease prevalence and penetrance estimates, and inheritance mode, an automated score was calculated to assess if this variant is too frequent to cause the disease. Based on the score and internal cut-off values, a variant classified as benign is not then subjected to further curation. The score for this variant resulted in a classification of benign for this disease.

Athena Diagnostics
Classification: Benign. Last evaluated: 2017-11-24. Review status: criteria provided, single submitter. Criteria: Athena Diagnostics Criteria. Collection method: clinical testing. Allele origin: germline.

Eurofins Ntd Llc (ga)
Classification: Benign. Last evaluated: 2013-11-06. Review status: criteria provided, single submitter. Criteria: EGL Classification Definitions 2015. Collection method: clinical testing. Allele origin: germline. Observed: 24 variant alleles, 18 heterozygotes, 6 homozygotes.

Breakthrough Genomics
Classification: Benign. Review status: criteria provided, single submitter. Criteria: ACMG Guidelines, 2015. Collection method: not provided. Allele origin: germline. Inheritance: Autosomal recessive inheritance. Affected: yes.

PreventionGenetics, part of Exact Sciences
Classification: Benign. Review status: criteria provided, single submitter. Criteria: ACMG Guidelines, 2015. Collection method: clinical testing. Allele origin: germline.

Genetic Services Laboratory, University of Chicago
Classification: Likely benign for AllHighlyPenetrant. Review status: no assertion criteria provided. Collection method: clinical testing. Allele origin: germline. Inheritance: Autosomal recessive inheritance. Not counted in ClinVar's aggregate classification.
Comment: Likely benign based on allele frequency in 1000 Genomes Project or ESP global frequency and its presence in a patient with a rare or unrelated disease phenotype. NOT Sanger confirmed.

Literature cited by the submitters: PubMed 26162493 (cited by Athena Diagnostics); PubMed 24028880 (cited by Athena Diagnostics).

NM_020365.5(EIF2B3):c.243C>T (p.Asp81=)

Gene: EIF2B3 (eukaryotic translation initiation factor 2B subunit gamma; minus strand). Cytogenetic location: 1p34.1.
Variant type: single nucleotide variant.
Coding change: c.243C>T on transcript NM_020365.5 (MANE Select); coding-DNA position 243, C replaced by T.
Protein change: p.Asp81=; no amino-acid change (aspartic acid 81 retained).
Molecular consequence: synonymous variant.
Genome position (GRCh38, 1-based): chr1:44,978,366, G>A on the plus strand (C>T on the coding strand, the complement: EIF2B3 is on the minus strand). VCF-style: chr1-44978366-G-A. GRCh37 (hg19) VCF-style: chr1-45444038-G-A.
Other names: p.Asp81=; c.243C>T, p.Asp81= (NM_001166588.3, NM_001261418.2).
Identifiers: ClinVar variation 95947 (VCV000095947.25), dbSNP rs11556200, ClinGen allele CA149070.